The following is an entry in ClinVar:

ClinVar aggregate classification (germline): Likely benign (0 of 4 stars; one submission).

Conditions:
NCKAP1-related disorder. Also called: NCKAP1-related condition.

Allele frequency attached by ClinVar (database versions not stated): gnomAD exomes 0.00008; 1000 Genomes Project 30x 0.00016; 1000 Genomes Project 0.00020; ExAC 0.00027; ESP Exome Variant Server 0.00039; TOPMed 0.00045; gnomAD 0.00046.
gnomAD v4.1: 181 of 1,487,136 alleles (0.012%); highest among the groups gnomAD compares: African/African-American, 0.18%; no homozygotes.

Submissions (2):

PreventionGenetics, part of Exact Sciences
Classification: Likely benign for NCKAP1-related condition. Last evaluated: 2022-06-14. Review status: no assertion criteria provided. Collection method: clinical testing. Allele origin: germline.
Comment: This variant is classified as likely benign based on ACMG/AMP sequence variant interpretation guidelines (Richards et al. 2015 PMID: 25741868, with internal and published modifications).

Dr. Peter K. Rogan Lab, Western University
No classification provided (evidence only). Condition: Malignant tumor of esophagus. Review status: no classification provided. Collection method: in vitro. Allele origin: not applicable. Functional consequence: skipped exon, retained intron. Not counted in ClinVar's aggregate classification.

NM_013436.5(NCKAP1):c.2815A>G (p.Ile939Val)

Gene: NCKAP1 (NCK associated protein 1; minus strand). Cytogenetic location: 2q32.1.
Variant type: single nucleotide variant.
Coding change: c.2815A>G on transcript NM_013436.5 (MANE Select); coding-DNA position 2815, A replaced by G.
Protein change: p.Ile939Val; replaces isoleucine 939 with valine.
Molecular consequence: missense variant.
Genome position (GRCh38, 1-based): chr2:182,934,796, T>C on the plus strand (A>G on the coding strand, the complement: NCKAP1 is on the minus strand). VCF-style: chr2-182934796-T-C. GRCh37 (hg19) VCF-style: chr2-183799524-T-C.
Other names: NC_000002.11:g.183799524T>C; c.2833A>G, p.Ile945Val (NM_205842.3); short protein forms I939V, I945V.
Identifiers: ClinVar variation 3049156 (VCV003049156.3), dbSNP rs144468405, ClinGen allele CA2014264.